The following is an entry in ClinVar:

NM_005228.5(EGFR):c.2404G>A (p.Val802Ile)

Genes: EGFR-AS1 (EGFR antisense RNA 1; minus strand), EGFR (epidermal growth factor receptor; plus strand). Cytogenetic location: 7p11.2.
Variant type: single nucleotide variant.
Coding change: c.2404G>A on transcript NM_005228.5 (MANE Select); coding-DNA position 2404, G replaced by A.
Protein change: p.Val802Ile; replaces valine 802 with isoleucine.
Molecular consequence: missense variant. On other transcripts: non-coding transcript variant (1).
Genome position (GRCh38, 1-based): chr7:55,181,413, G>A. VCF-style: chr7-55181413-G-A. GRCh37 (hg19) VCF-style: chr7-55249106-G-A.
Other names: c.2404G>A (NM_005228.3); c.2269G>A, p.Val757Ile (NM_001346897.2, NM_001346899.2); c.2404G>A, p.Val802Ile (NM_001346898.2); c.2245G>A, p.Val749Ile (NM_001346900.2); c.1603G>A, p.Val535Ile (NM_001346941.2); short protein forms V757I, V749I, V535I, V802I.
Identifiers: ClinVar variation 1494816 (VCV001494816.7), dbSNP rs1351046105, ClinGen allele CA367578926.

ClinVar aggregate classification (germline): Uncertain significance. Review status: criteria provided, multiple submitters, no conflicts (2 of 4 stars). 3 submissions from 3 submitters: Uncertain significance (2). 1 of the submissions does not count toward it. Last evaluated 2025-11-30.

Conditions:
Hereditary cancer-predisposing syndrome. Also called: Tumor predisposition; Hereditary neoplastic syndrome; Neoplastic Syndromes, Hereditary; Hereditary Cancer Syndrome. Identifiers: Orphanet 140162, MedGen C0027672, MeSH D009386, MONDO:0015356.
EGFR-related lung cancer (EGFR). Identifiers: MedGen CN130014.
Malignant tumor of urinary bladder. Also called: Urinary bladder cancer; Bladder cancer; Urinary Bladder Neoplasms. Identifiers: MedGen C0005684, MONDO:0001187, OMIM 109800.

Allele frequency attached by ClinVar (database versions not stated): TOPMed below 0.00001; gnomAD 0.00001.
gnomAD v4.1: 1 of 1,614,110 alleles (0.000062%); highest among the groups gnomAD compares: African/African-American, 0.0013%; no homozygotes.

Submissions (3):

Labcorp Genetics (formerly Invitae), Labcorp
Classification: Uncertain significance for EGFR-related lung cancer. Last evaluated: 2025-11-30. Review status: criteria provided, single submitter. Criteria: Invitae Variant Classification Sherloc (09022015). Collection method: clinical testing. Allele origin: germline.
Comment: This sequence change replaces valine, which is neutral and non-polar, with isoleucine, which is neutral and non-polar, at codon 802 of the EGFR protein (p.Val802Ile). This variant is present in population databases (no rsID available, gnomAD 0.01%). This variant has not been reported in the literature in individuals affected with EGFR-related conditions. ClinVar contains an entry for this variant (Variation ID: 1494816). Invitae Evidence Modeling of protein sequence and biophysical properties (such as structural, functional, and spatial information, amino acid conservation, physicochemical variation, residue mobility, and thermodynamic stability) indicates that this missense variant is not expected to disrupt EGFR protein function with a negative predictive value of 80%. In summary, the available evidence is currently insufficient to determine the role of this variant in disease. Therefore, it has been classified as a Variant of Uncertain Significance.

Ambry Genetics
Classification: Uncertain significance for Hereditary cancer-predisposing syndrome. Last evaluated: 2025-03-26. Review status: criteria provided, single submitter. Criteria: Ambry Variant Classification Scheme 2023. Collection method: clinical testing. Allele origin: germline.
Comment: The p.V802I variant (also known as c.2404G>A), located in coding exon 20 of the EGFR gene, results from a G to A substitution at nucleotide position 2404. The valine at codon 802 is replaced by isoleucine, an amino acid with highly similar properties. This amino acid position is not well conserved in available vertebrate species, and isoleucine is the reference amino acid in other vertebrate species. In addition, the in silico prediction for this alteration is inconclusive. Based on the available evidence, the clinical significance of this variant remains unclear.

Laboratory of Urology, Hospital Clinic de Barcelona
Classification: Pathogenic for Malignant tumor of urinary bladder. Review status: no assertion criteria provided. Collection method: research. Allele origin: somatic. Affected: yes. Not counted in ClinVar's aggregate classification.